The following is an entry in ClinVar:

ClinVar aggregate classification (germline): Uncertain significance. Review status: criteria provided, multiple submitters, no conflicts (2 of 4 stars). 3 submissions from 3 submitters: Uncertain significance (3). Last evaluated 2023-04-11.

Conditions:
Developmental and epileptic encephalopathy, 18 (DEE18). Also called: Early infantile epileptic encephalopathy 18. Identifiers: Orphanet 369894, MedGen C3809624, MONDO:0014201, OMIM 615476.
Inborn genetic diseases. Identifiers: MedGen C0950123, MeSH D030342.

Allele frequency attached by ClinVar (database versions not stated): gnomAD 0.00001 and 0.00003; TOPMed 0.00002; ExAC 0.00004; gnomAD exomes 0.00004; 1000 Genomes Project 30x 0.00031; 1000 Genomes Project 0.00040.
gnomAD v4.1: 42 of 1,602,536 alleles (0.0026%); highest among the groups gnomAD compares: East Asian, 0.067%; no homozygotes.

Submissions (3):

Genome-Nilou Lab
Classification: Uncertain significance for Developmental and epileptic encephalopathy, 18. Last evaluated: 2023-04-11. Review status: criteria provided, single submitter. Criteria: ACMG Guidelines, 2015. Collection method: clinical testing. Allele origin: germline. Affected: no.

Labcorp Genetics (formerly Invitae), Labcorp
Classification: Uncertain significance. Last evaluated: 2022-04-01. Review status: criteria provided, single submitter. Criteria: Invitae Variant Classification Sherloc (09022015). Collection method: clinical testing. Allele origin: germline.
Comment: This sequence change replaces arginine, which is basic and polar, with glutamine, which is neutral and polar, at codon 2657 of the SZT2 protein (p.Arg2657Gln). This variant is present in population databases (rs192016258, gnomAD 0.05%). This variant has not been reported in the literature in individuals affected with SZT2-related conditions. Algorithms developed to predict the effect of missense changes on protein structure and function output the following: SIFT: "Deleterious"; PolyPhen-2: "Benign"; Align-GVGD: "Class C0". The glutamine amino acid residue is found in multiple mammalian species, which suggests that this missense change does not adversely affect protein function. In summary, the available evidence is currently insufficient to determine the role of this variant in disease. Therefore, it has been classified as a Variant of Uncertain Significance.

Ambry Genetics
Classification: Uncertain significance for Inborn genetic diseases. Last evaluated: 2020-12-10. Review status: criteria provided, single submitter. Criteria: Ambry Variant Classification Scheme 2023. Collection method: clinical testing. Allele origin: germline.
Comment: The c.7970G>A (p.R2657Q) alteration is located in exon 57 (coding exon 57) of the SZT2 gene. This alteration results from a G to A substitution at nucleotide position 7970, causing the arginine (R) at amino acid position 2657 to be replaced by a glutamine (Q). The p.R2657Q alteration is predicted to be tolerated by in silico analysis. Based on insufficient or conflicting evidence, the clinical significance of this alteration remains unclear.

NM_001365999.1(SZT2):c.8141G>A (p.Arg2714Gln)

Gene: SZT2 (SZT2 subunit of KICSTOR complex; plus strand). Cytogenetic location: 1p34.2.
Variant type: single nucleotide variant.
Coding change: c.8141G>A on transcript NM_001365999.1 (MANE Select); coding-DNA position 8141, G replaced by A.
Protein change: p.Arg2714Gln; replaces arginine 2714 with glutamine.
Molecular consequence: missense variant.
Genome position (GRCh38, 1-based): chr1:43,442,608, G>A. VCF-style: chr1-43442608-G-A. GRCh37 (hg19) VCF-style: chr1-43908279-G-A.
Other names: c.7970G>A, p.Arg2657Gln (NM_015284.4); c.7970G>A (NM_015284.3); short protein forms R2657Q, R2714Q.
Identifiers: ClinVar variation 1364838 (VCV001364838.6), dbSNP rs192016258, ClinGen allele CA810449.
Genomic context (GRCh38, chr1:43,442,608, plus strand): 5'-GCCTACTCAGCCAGAAGCTTGGCCTCTTCCATCATTATGGCCAGTTGGACTTCCCCGTGC[G>A]AGATGAAAAGGTGCCTGCTGCTCTGGTTCTTCCTATAGTTTTGGCTACTGAGGGGTCAGT-3'
Protein context (NP_001352928.1, residues 2704-2724): HHYGQLDFPV[Arg2714Gln]DEKEPNPFLL